The following is an entry in ClinVar:

NM_000310.4(PPT1):c.398del (p.Met133fs)

Gene: PPT1 (palmitoyl-protein thioesterase 1; minus strand). Cytogenetic location: 1p34.2.
Variant type: Deletion.
Coding change: c.398del on transcript NM_000310.4 (MANE Select); coding-DNA position 398, one base deleted (T; older notation c.398delT).
Protein change: p.Met133fs; shifts the reading frame from methionine 133.
Molecular consequence: frameshift variant. On other transcripts: intron variant (1).
Genome position (GRCh38, 1-based): chr1:40,091,364, A deleted on the plus strand (T on the coding strand, the reverse complement: PPT1 is on the minus strand). VCF-style (leftmost placement, unchanged base first): chr1-40091363-CA-C. GRCh37 (hg19) VCF-style: chr1-40557035-CA-C.
Other names: c.398del, p.Met133fs (NM_001363695.2); c.125-1852del (NM_001142604.2); c.398delT (NM_000310.3); short protein forms M133fs.
Identifiers: ClinVar variation 56192 (VCV000056192.12), dbSNP rs386833644, ClinGen allele CA263502.

ClinVar aggregate classification (germline): Pathogenic/Likely pathogenic. Review status: criteria provided, multiple submitters, no conflicts (2 of 4 stars). 8 submissions from 8 submitters: Pathogenic (4); Likely pathogenic (2). 2 of the submissions do not count toward it. Last evaluated 2025-08-12.

Conditions:
PPT1-related disorder. Also called: PPT1-related condition.
Neuronal ceroid lipofuscinosis. Also called: Neuronal Ceroid Lipofuscinoses. Identifiers: Orphanet 216, Orphanet 79263, MedGen C0027877, MONDO:0016295. Disease mechanism: loss of function.
Neuronal ceroid lipofuscinosis 1 (CLN1). Also called: CEROID LIPOFUSCINOSIS, NEURONAL, 1, VARIABLE AGE AT ONSET; PPT1-Related Neuronal Ceroid-Lipofuscinosis. Identifiers: Orphanet 228329, MedGen C1850451, MONDO:0009744, OMIM 256730.

Allele frequency attached by ClinVar (database versions not stated): gnomAD exomes below 0.00001; ExAC 0.00001.

Submissions (8):

Variantyx, Inc.
Classification: Pathogenic for Neuronal ceroid lipofuscinosis 1. Last evaluated: 2025-08-12. Review status: criteria provided, single submitter. Criteria: Variantyx Assertion Criteria 2022. Collection method: clinical testing. Allele origin: germline. Inheritance: Autosomal recessive inheritance.
Comment: This is a frameshift variant in the PPT1 gene (OMIM: 600722). Pathogenic variants in this gene have been associated with autosomal recessive neuronal ceroid lipofuscinosis 1. This variant introduces a premature termination codon in exon 4 out of 9. It is expected to result in loss of function, which is a known disease mechanism for PPT1 in this disorder (PMID: 9664077) (PVS1). This variant has been identified in the homozygous or compound heterozygous state in at least 2 individual(s) reported in the published literature (PMID: 9664077, 10191107) (PM3). This variant has a 0.0004% maximum allele frequency in non-founder control populations (PM2). Based on the current evidence, this variant is classified as pathogenic for autosomal recessive neuronal ceroid lipofuscinosis 1.

Labcorp Genetics (formerly Invitae), Labcorp
Classification: Pathogenic for Neuronal ceroid lipofuscinosis 1. Last evaluated: 2023-09-24. Review status: criteria provided, single submitter. Criteria: Invitae Variant Classification Sherloc (09022015). Collection method: clinical testing. Allele origin: germline.
Comment: For these reasons, this variant has been classified as Pathogenic. ClinVar contains an entry for this variant (Variation ID: 56192). This premature translational stop signal has been observed in individual(s) with neuronal ceroid lipofuscinosis (PMID: 9664077). This variant is present in population databases (rs386833644, gnomAD 0.0009%). This sequence change creates a premature translational stop signal (p.Met133Argfs*4) in the PPT1 gene. It is expected to result in an absent or disrupted protein product. Loss-of-function variants in PPT1 are known to be pathogenic (PMID: 10679943, 21990111).

Baylor Genetics
Classification: Pathogenic for Neuronal ceroid lipofuscinosis 1. Last evaluated: 2023-08-23. Review status: criteria provided, single submitter. Criteria: ACMG Guidelines, 2015. Collection method: clinical testing. Allele origin: unknown.

Blueprint Genetics
Classification: Likely pathogenic for PPT1-related disorders. Last evaluated: 2022-08-30. Review status: criteria provided, single submitter. Criteria: ACMG Guidelines, 2015. Collection method: clinical testing. Allele origin: germline. Affected: yes. Observed: 1 variant allele.

Women's Health and Genetics/Laboratory Corporation of America, LabCorp
Classification: Pathogenic for Neuronal ceroid lipofuscinosis. Last evaluated: 2021-11-24. Review status: criteria provided, single submitter. Criteria: LabCorp Variant Classification Summary - May 2015. Collection method: clinical testing. Allele origin: germline.
Comment: Variant summary: PPT1 c.398delT (p.Met133ArgfsX4) results in a premature termination codon, predicted to cause a truncation of the encoded protein or absence of the protein due to nonsense mediated decay, which are commonly known mechanisms for disease. Truncations downstream of this position have been classified as pathogenic by our laboratory. The variant allele was found at a frequency of 4e-06 in 251274 control chromosomes (gnomAD). c.398delT has been reported in the literature in 3 compound heterozygous siblings affected with Neuronal Ceroid-Lipofuscinosis (Batten Disease) (Das_1998, Hofmann_1999). These data indicate that the variant is likely to be associated with disease. Experimental evidence derived from analysis of postmortem brain tissue from one compound heterozygous patient, demonstrated presence of numerous apoptotic cells and abnormally low levels of soluble synaptic vesicle proteins (Kim_2006, 2008). A ClinVar submitter (evaluation after 2014) cites the variant as likely pathogenic. Based on the evidence outlined above, the variant was classified as pathogenic.

CENTOGENE GmbH and LLC - Guiding Precision Medicine
Classification: Likely pathogenic for Neuronal ceroid lipofuscinosis 1. Last evaluated: 2021-04-30. Review status: criteria provided, single submitter. Criteria: ACMG Guidelines, 2015. Collection method: clinical testing. Allele origin: maternal. Affected: yes.

Counsyl
Classification: Likely pathogenic for Neuronal ceroid lipofuscinosis 1. Last evaluated: 2016-05-16. Review status: no assertion criteria provided. Collection method: clinical testing. Allele origin: unknown. Not counted in ClinVar's aggregate classification.

Juha Muilu Group; Institute for Molecular Medicine Finland (FIMM)
Classification: Likely pathogenic for Ceroid lipofuscinosis neuronal 1. Review status: no assertion criteria provided. Collection method: not provided. Allele origin: unknown. Not counted in ClinVar's aggregate classification.
Comment: FinDis database variant: This variant was not found or characterized by our laboratory, data were collected from public sources: see reference
ClinVar note: Converted during submission from probable-pathogenic to Likely pathogenic.

Literature cited by the submitters: PubMed 9664077 (cited by 4 submitters); PubMed 10191107 (cited by Variantyx, Inc. and Women's Health and Genetics/Laboratory Corporation of America, LabCorp); PubMed 10679943 (cited by Labcorp Genetics (formerly Invitae), Labcorp); PubMed 21990111 (cited by Labcorp Genetics (formerly Invitae), Labcorp); PubMed 10477428 (cited by Women's Health and Genetics/Laboratory Corporation of America, LabCorp); PubMed 11332767 (cited by Women's Health and Genetics/Laboratory Corporation of America, LabCorp); PubMed 16644870 (cited by Women's Health and Genetics/Laboratory Corporation of America, LabCorp); PubMed 18704195 (cited by Women's Health and Genetics/Laboratory Corporation of America, LabCorp).